The following is an entry in ClinVar:

NM_002025.4(AFF2):c.3307G>A (p.Ala1103Thr)

Gene: AFF2 (ALF transcription elongation factor 2; plus strand). Cytogenetic location: Xq28.
Variant type: single nucleotide variant.
Coding change: c.3307G>A on transcript NM_002025.4 (MANE Select); coding-DNA position 3307, G replaced by A.
Protein change: p.Ala1103Thr; replaces alanine 1103 with threonine.
Molecular consequence: missense variant.
Genome position (GRCh38, 1-based): chrX:148,973,510, G>A. VCF-style: chrX-148973510-G-A. GRCh37 (hg19) VCF-style: chrX-148055040-G-A.
Other names: c.3202G>A, p.Ala1068Thr (NM_001169122.2, NM_001169124.2); c.3277G>A, p.Ala1093Thr (NM_001169123.2); c.3190G>A, p.Ala1064Thr (NM_001169125.2); c.2230G>A, p.Ala744Thr (NM_001170628.1); short protein forms A1064T, A1068T, A1093T, A1103T, A744T.
Identifiers: ClinVar variation 4534644 (VCV004534644.6).

ClinVar aggregate classification (germline): Uncertain significance (1 of 4 stars; one submission).

gnomAD v4.1: 1 of 1,211,031 alleles (0.000083%); highest among the groups gnomAD compares: Non-Finnish European, 0.00011%; no homozygotes.

Submission:

CeGaT Center for Human Genetics Tuebingen
Classification: Uncertain significance. Last evaluated: 2025-10-01. Review status: criteria provided, single submitter. Criteria: CeGaT Center For Human Genetics Tuebingen Variant Classification Criteria Version 2. Collection method: clinical testing. Allele origin: germline. Affected: yes. Observed: 1 variant allele.
Comment: AFF2: PM2